The following is an entry in ClinVar:

NM_001376.5(DYNC1H1):c.12061A>C (p.Met4021Leu)

Gene: DYNC1H1 (dynein cytoplasmic 1 heavy chain 1; plus strand). Cytogenetic location: 14q32.31.
Variant type: single nucleotide variant.
Coding change: c.12061A>C on transcript NM_001376.5 (MANE Select); coding-DNA position 12061, A replaced by C.
Protein change: p.Met4021Leu; replaces methionine 4021 with leucine.
Molecular consequence: missense variant.
Genome position (GRCh38, 1-based): chr14:102,041,693, A>C. VCF-style: chr14-102041693-A-C. GRCh37 (hg19) VCF-style: chr14-102508030-A-C.
Other names: short protein forms M4021L.
Identifiers: ClinVar variation 2644572 (VCV002644572.24), dbSNP rs2503855972, ClinGen allele CA391037936.
Genomic context (GRCh38, chr14:102,041,693, plus strand): 5'-CTGTTGGCCATGGCCCACATGTTTGTTTCAACAAACCTTGGGGAGTCTTTCATGTCCATC[A>C]TGGAGCAGCCGCTCGACCTGACCCACATTGTGGGCACAGAGGTAATGTCCTGGTACAGCC-3'
Protein context (NP_001367.2, residues 4011-4031): TNLGESFMSI[Met4021Leu]EQPLDLTHIV

ClinVar aggregate classification (germline): Uncertain significance (1 of 4 stars; one submission).

Submission:

CeGaT Center for Human Genetics Tuebingen
Classification: Uncertain significance. Last evaluated: 2023-03-01. Review status: criteria provided, single submitter. Criteria: CeGaT Center For Human Genetics Tuebingen Variant Classification Criteria Version 2. Collection method: clinical testing. Allele origin: germline. Affected: yes. Observed: 1 variant allele.
Comment: DYNC1H1: PM2